The following is an entry in ClinVar:

NM_000071.3(CBS):c.518T>G (p.Met173Arg)

Gene: CBS (cystathionine beta-synthase; minus strand). Cytogenetic location: 21q22.3.
Variant type: single nucleotide variant.
Coding change: c.518T>G on transcript NM_000071.3 (MANE Select); coding-DNA position 518, T replaced by G.
Protein change: p.Met173Arg; replaces methionine 173 with arginine.
Molecular consequence: missense variant.
Genome position (GRCh38, 1-based): chr21:43,065,629, A>C on the plus strand (T>G on the coding strand, the complement: CBS is on the minus strand). VCF-style: chr21-43065629-A-C. GRCh37 (hg19) VCF-style: chr21-44485739-A-C.
Other names: c.518T>G, p.Met173Arg (NM_001178008.3, NM_001178009.3, NM_001320298.2); c.203T>G, p.Met68Arg (NM_001321072.1); short protein forms M173R, M68R.
Identifiers: ClinVar variation 940215 (VCV000940215.8), dbSNP rs1982605960, ClinGen allele CA410601310.

ClinVar aggregate classification (germline): Uncertain significance. Review status: criteria provided, multiple submitters, no conflicts (2 of 4 stars). 2 submissions from 2 submitters: Uncertain significance (2). Last evaluated 2024-05-06.

Conditions:
HYPERHOMOCYSTEINEMIA, THROMBOTIC, CBS-RELATED. Identifiers: MedGen C3150344, OMIM 236200.

Submissions (2):

Women's Health and Genetics/Laboratory Corporation of America, LabCorp
Classification: Uncertain significance. Last evaluated: 2024-05-06. Review status: criteria provided, single submitter. Criteria: LabCorp Variant Classification Summary - May 2015. Collection method: clinical testing. Allele origin: germline.

Labcorp Genetics (formerly Invitae), Labcorp
Classification: Uncertain significance for HYPERHOMOCYSTEINEMIA, THROMBOTIC, CBS-RELATED. Last evaluated: 2021-08-13. Review status: criteria provided, single submitter. Criteria: Invitae Variant Classification Sherloc (09022015). Collection method: clinical testing. Allele origin: germline.
Comment: This sequence change replaces methionine with arginine at codon 173 of the CBS protein (p.Met173Arg). The methionine residue is highly conserved and there is a moderate physicochemical difference between methionine and arginine. This variant is not present in population databases (ExAC no frequency). This missense change has been observed in individual(s) with clinical features of CBS-related conditions (Invitae). Algorithms developed to predict the effect of missense changes on protein structure and function are either unavailable or do not agree on the potential impact of this missense change (SIFT: "Deleterious"; PolyPhen-2: "Probably Damaging"; Align-GVGD: "Class C0"). In summary, the available evidence is currently insufficient to determine the role of this variant in disease. Therefore, it has been classified as a Variant of Uncertain Significance.